The following is an entry in ClinVar:

ClinVar aggregate classification (germline): Uncertain significance. Review status: criteria provided, multiple submitters, no conflicts (2 of 4 stars). 3 submissions from 3 submitters: Uncertain significance (3). Last evaluated 2025-03-04.

Conditions:
Epidermolysis bullosa simplex with nail dystrophy (EBS5D). Identifiers: MedGen C4225309, MONDO:0014661, OMIM 616487.
Epidermolysis bullosa simplex, Ogna type (EBS5A). Also called: Pidermolysis bullosa simplex 5A, Ogna type; EPIDERMOLYSIS BULLOSA SIMPLEX 5A, OGNA TYPE. Identifiers: Orphanet 79401, MedGen C0432317, MONDO:0007555, OMIM 131950.
Autosomal recessive limb-girdle muscular dystrophy type 2Q (LGMDR17). Also called: MUSCULAR DYSTROPHY, LIMB-GIRDLE, AUTOSOMAL RECESSIVE 17. Identifiers: Orphanet 254361, MedGen C3150989, MONDO:0013390, OMIM 613723.
Epidermolysis bullosa simplex 5C, with pyloric atresia (EBS5C). Also called: PLEC-Related Epidermolysis Bullosa with Pyloric Atresia; Epidermolysis bullosa simplex with pyloric atresia; PLEC1-Related Epidermolysis Bullosa with Pyloric Atresia. Identifiers: Orphanet 158684, MedGen C2677349, MONDO:0012807, OMIM 612138.
Epidermolysis bullosa simplex 5B, with muscular dystrophy (EBS5B). Also called: EPIDERMOLYSIS BULLOSA SIMPLEX AND LIMB-GIRDLE MUSCULAR DYSTROPHY; Epidermolysis bullosa simplex with muscular dystrophy. Identifiers: Orphanet 257, MedGen C2931072, MONDO:0009181, OMIM 226670.

Allele frequency attached by ClinVar (database versions not stated): gnomAD exomes 0.00003; gnomAD 0.00005; TOPMed 0.00005.
gnomAD v4.1: 54 of 1,611,348 alleles (0.0034%); highest among the groups gnomAD compares: Admixed American, 0.018%; no homozygotes.

Submissions (3):

Labcorp Genetics (formerly Invitae), Labcorp
Classification: Uncertain significance for Autosomal recessive limb-girdle muscular dystrophy type 2Q; Epidermolysis bullosa simplex, Ogna type; Epidermolysis bullosa simplex with nail dystrophy; Epidermolysis bullosa simplex 5C, with pyloric atresia; Epidermolysis bullosa simplex 5B, with muscular dystrophy. Last evaluated: 2025-03-04. Review status: criteria provided, single submitter. Criteria: Invitae Variant Classification Sherloc (09022015). Collection method: clinical testing. Allele origin: germline.
Comment: This sequence change replaces glycine, which is neutral and non-polar, with serine, which is neutral and polar, at codon 4215 of the PLEC protein (p.Gly4215Ser). This variant is present in population databases (rs782165865, gnomAD 0.02%). This variant has not been reported in the literature in individuals affected with PLEC-related conditions. ClinVar contains an entry for this variant (Variation ID: 478790). Invitae Evidence Modeling of protein sequence and biophysical properties (such as structural, functional, and spatial information, amino acid conservation, physicochemical variation, residue mobility, and thermodynamic stability) has been performed for this missense variant. However, the output from this modeling did not meet the statistical confidence thresholds required to predict the impact of this variant on PLEC protein function. In summary, the available evidence is currently insufficient to determine the role of this variant in disease. Therefore, it has been classified as a Variant of Uncertain Significance.

Revvity Omics, Revvity
Classification: Uncertain significance. Last evaluated: 2023-06-28. Review status: criteria provided, single submitter. Criteria: ACMG Guidelines, 2015. Collection method: clinical testing. Allele origin: germline.

Breakthrough Genomics
Classification: Uncertain significance. Review status: criteria provided, single submitter. Criteria: ACMG Guidelines, 2015. Collection method: not provided. Allele origin: germline. Inheritance: Autosomal recessive inheritance. Affected: yes.

NM_201384.3(PLEC):c.12562G>A (p.Gly4188Ser)

Gene: PLEC (plectin; minus strand). Cytogenetic location: 8q24.3.
Variant type: single nucleotide variant.
Coding change: c.12562G>A on transcript NM_201384.3 (MANE Select); coding-DNA position 12562, G replaced by A.
Protein change: p.Gly4188Ser; replaces glycine 4188 with serine.
Molecular consequence: missense variant.
Genome position (GRCh38, 1-based): chr8:143,917,259, C>T on the plus strand (G>A on the coding strand, the complement: PLEC is on the minus strand). VCF-style: chr8-143917259-C-T. GRCh37 (hg19) VCF-style: chr8-144991427-C-T.
Other names: c.12643G>A, p.Gly4215Ser (NM_000445.5); c.12520G>A, p.Gly4174Ser (NM_201378.4); c.12496G>A, p.Gly4166Ser (NM_201379.3); c.12973G>A, p.Gly4325Ser (NM_201380.4); c.12466G>A, p.Gly4156Ser (NM_201381.3); c.12562G>A, p.Gly4188Ser (NM_201382.4); c.12574G>A, p.Gly4192Ser (NM_201383.3); short protein forms G4156S, G4192S, G4215S, G4174S, G4166S, G4188S, G4325S.
Identifiers: ClinVar variation 478790 (VCV000478790.13), dbSNP rs782165865, ClinGen allele CA4924053.